The following is an entry in ClinVar:

NM_014979.4(SV2C):c.1734T>C (p.Ser578=)

Genes: SV2C (synaptic vesicle glycoprotein 2C; plus strand), SV2C-AS2 (SV2C antisense RNA 2; minus strand). Cytogenetic location: 5q13.3.
Variant type: single nucleotide variant.
Coding change: c.1734T>C on transcript NM_014979.4 (MANE Select); coding-DNA position 1734, T replaced by C.
Protein change: p.Ser578=; no amino-acid change (serine 578 retained).
Molecular consequence: synonymous variant.
Genome position (GRCh38, 1-based): chr5:76,300,826, T>C. VCF-style: chr5-76300826-T-C. GRCh37 (hg19) VCF-style: chr5-75596651-T-C.
Other names: c.1734T>C, p.Ser578= (NM_001297716.2).
Identifiers: ClinVar variation 3034995 (VCV003034995.2), dbSNP rs768222996, ClinGen allele CA3311356.

ClinVar aggregate classification (germline): Likely benign (0 of 4 stars; one submission).

Conditions:
SV2C-related disorder. Also called: SV2C-related condition.

Allele frequency attached by ClinVar (database versions not stated): gnomAD 0.00001; TOPMed 0.00005; ExAC 0.00008.
gnomAD v4.1: 39 of 1,614,086 alleles (0.0024%); highest among the groups gnomAD compares: Admixed American, 0.063%; 1 homozygote.

Submission:

PreventionGenetics, part of Exact Sciences
Classification: Likely benign for SV2C-related condition. Last evaluated: 2019-10-28. Review status: no assertion criteria provided. Collection method: clinical testing. Allele origin: germline.
Comment: This variant is classified as likely benign based on ACMG/AMP sequence variant interpretation guidelines (Richards et al. 2015 PMID: 25741868, with internal and published modifications).